The following is an entry in ClinVar:

ClinVar aggregate classification (germline): Uncertain significance. Review status: criteria provided, multiple submitters, no conflicts (2 of 4 stars). 2 submissions from 2 submitters: Uncertain significance (2). Last evaluated 2025-06-27.

Conditions:
DICER1-related tumor predisposition. Also called: DICER1-related pleuropulmonary blastoma cancer predisposition syndrome; DICER1 syndrome. Identifiers: Orphanet 284343, MedGen C3839822, MONDO:0100216.
Hereditary cancer-predisposing syndrome. Also called: Hereditary Cancer Syndrome; Tumor predisposition; Neoplastic Syndromes, Hereditary; Hereditary neoplastic syndrome. Identifiers: Orphanet 140162, MedGen C0027672, MeSH D009386, MONDO:0015356.

Submissions (2):

Labcorp Genetics (formerly Invitae), Labcorp
Classification: Uncertain significance for DICER1-related tumor predisposition. Last evaluated: 2025-06-27. Review status: criteria provided, single submitter. Criteria: Invitae Variant Classification Sherloc (09022015). Collection method: clinical testing. Allele origin: germline.
Comment: This sequence change replaces alanine, which is neutral and non-polar, with glutamic acid, which is acidic and polar, at codon 1011 of the DICER1 protein (p.Ala1011Glu). This variant is not present in population databases (gnomAD no frequency). This variant has not been reported in the literature in individuals affected with DICER1-related conditions. ClinVar contains an entry for this variant (Variation ID: 3229356). Invitae Evidence Modeling of protein sequence and biophysical properties (such as structural, functional, and spatial information, amino acid conservation, physicochemical variation, residue mobility, and thermodynamic stability) indicates that this missense variant is not expected to disrupt DICER1 protein function with a negative predictive value of 95%. In summary, the available evidence is currently insufficient to determine the role of this variant in disease. Therefore, it has been classified as a Variant of Uncertain Significance.

Ambry Genetics
Classification: Uncertain significance for Hereditary cancer-predisposing syndrome. Last evaluated: 2023-10-13. Review status: criteria provided, single submitter. Criteria: Ambry Variant Classification Scheme 2023. Collection method: clinical testing. Allele origin: germline.
Comment: The p.A1011E variant (also known as c.3032C>A), located in coding exon 18 of the DICER1 gene, results from a C to A substitution at nucleotide position 3032. The alanine at codon 1011 is replaced by glutamic acid, an amino acid with dissimilar properties. This amino acid position is conserved. In addition, this alteration is predicted to be deleterious by in silico analysis. Since supporting evidence is limited at this time, the clinical significance of this alteration remains unclear.

NM_177438.3(DICER1):c.3032C>A (p.Ala1011Glu)

Gene: DICER1 (dicer 1, ribonuclease III; minus strand). Cytogenetic location: 14q32.13.
Variant type: single nucleotide variant.
Coding change: c.3032C>A on transcript NM_177438.3 (MANE Select); coding-DNA position 3032, C replaced by A.
Protein change: p.Ala1011Glu; replaces alanine 1011 with glutamic acid.
Molecular consequence: missense variant. On other transcripts: non-coding transcript variant (6).
Genome position (GRCh38, 1-based): chr14:95,105,739, G>T on the plus strand (C>A on the coding strand, the complement: DICER1 is on the minus strand). VCF-style: chr14-95105739-G-T. GRCh37 (hg19) VCF-style: chr14-95572076-G-T.
Other names: c.3032C>A, p.Ala1011Glu (NM_001195573.1, NM_001271282.3, NM_001291628.2 and 13 more transcripts); c.2750C>A, p.Ala917Glu (NM_001395686.1); c.2627C>A, p.Ala876Glu (NM_001395687.1, NM_001395688.1, NM_001395689.1 and 2 more transcripts); c.2465C>A, p.Ala822Glu (NM_001395691.1); c.1349C>A, p.Ala450Glu (NM_001395697.1); short protein forms A1011E, A450E, A822E, A876E, A917E.
Identifiers: ClinVar variation 3229356 (VCV003229356.2), dbSNP rs772243498, ClinGen allele CA390878344.